The following is an entry in ClinVar:

NM_024656.4(COLGALT1):c.1760A>G (p.Asp587Gly)

Gene: COLGALT1 (collagen beta(1-O)galactosyltransferase 1; plus strand). Cytogenetic location: 19p13.11.
Variant type: single nucleotide variant.
Coding change: c.1760A>G on transcript NM_024656.4 (MANE Select); coding-DNA position 1760, A replaced by G.
Protein change: p.Asp587Gly; replaces aspartic acid 587 with glycine.
Molecular consequence: missense variant.
Genome position (GRCh38, 1-based): chr19:17,581,335, A>G. VCF-style: chr19-17581335-A-G. GRCh37 (hg19) VCF-style: chr19-17692144-A-G.
Other names: short protein forms D587G.
Identifiers: ClinVar variation 2116126 (VCV002116126.4), dbSNP rs2512902080, ClinGen allele CA404719541.

ClinVar aggregate classification (germline): Uncertain significance (1 of 4 stars; one submission).

Allele frequency attached by ClinVar (database versions not stated): gnomAD exomes below 0.00001.
gnomAD v4.1: 1 of 1,613,246 alleles (0.000062%); highest among the groups gnomAD compares: Non-Finnish European, 0.000085%; no homozygotes.

Submission:

Labcorp Genetics (formerly Invitae), Labcorp
Classification: Uncertain significance. Last evaluated: 2024-04-22. Review status: criteria provided, single submitter. Criteria: Invitae Variant Classification Sherloc (09022015). Collection method: clinical testing. Allele origin: germline.
Comment: This sequence change replaces aspartic acid, which is acidic and polar, with glycine, which is neutral and non-polar, at codon 587 of the COLGALT1 protein (p.Asp587Gly). This variant is not present in population databases (gnomAD no frequency). This variant has not been reported in the literature in individuals affected with COLGALT1-related conditions. ClinVar contains an entry for this variant (Variation ID: 2116126). Advanced modeling of protein sequence and biophysical properties (such as structural, functional, and spatial information, amino acid conservation, physicochemical variation, residue mobility, and thermodynamic stability) performed at Invitae indicates that this missense variant is not expected to disrupt COLGALT1 protein function with a negative predictive value of 80%. In summary, the available evidence is currently insufficient to determine the role of this variant in disease. Therefore, it has been classified as a Variant of Uncertain Significance.